The following is an entry in ClinVar:

ClinVar aggregate classification (germline): Uncertain significance (1 of 4 stars; one submission).

Allele frequency attached by ClinVar (database versions not stated): gnomAD exomes below 0.00001.
gnomAD v4.1: 1 of 1,614,190 alleles (0.000062%); highest among the groups gnomAD compares: Non-Finnish European, 0.000085%; no homozygotes.

Submission:

Labcorp Genetics (formerly Invitae), Labcorp
Classification: Uncertain significance. Last evaluated: 2022-10-24. Review status: criteria provided, single submitter. Criteria: Invitae Variant Classification Sherloc (09022015). Collection method: clinical testing. Allele origin: germline.
Comment: This sequence change replaces isoleucine, which is neutral and non-polar, with valine, which is neutral and non-polar, at codon 971 of the ATP2B2 protein (p.Ile971Val). In summary, the available evidence is currently insufficient to determine the role of this variant in disease. Therefore, it has been classified as a Variant of Uncertain Significance. Advanced modeling of protein sequence and biophysical properties (such as structural, functional, and spatial information, amino acid conservation, physicochemical variation, residue mobility, and thermodynamic stability) performed at Invitae indicates that this missense variant is not expected to disrupt ATP2B2 protein function. ClinVar contains an entry for this variant (Variation ID: 1357397). This variant has not been reported in the literature in individuals affected with ATP2B2-related conditions. This variant is not present in population databases (gnomAD no frequency).

NM_001001331.4(ATP2B2):c.3046A>G (p.Ile1016Val)

Gene: ATP2B2 (ATPase plasma membrane Ca2+ transporting 2; minus strand). Cytogenetic location: 3p25.3.
Variant type: single nucleotide variant.
Coding change: c.3046A>G on transcript NM_001001331.4 (MANE Select); coding-DNA position 3046, A replaced by G.
Protein change: p.Ile1016Val; replaces isoleucine 1016 with valine.
Molecular consequence: missense variant.
Genome position (GRCh38, 1-based): chr3:10,340,576, T>C on the plus strand (A>G on the coding strand, the complement: ATP2B2 is on the minus strand). VCF-style: chr3-10340576-T-C. GRCh37 (hg19) VCF-style: chr3-10382260-T-C.
Other names: c.2911A>G, p.Ile971Val (NM_001330611.3, NM_001353564.1, NM_001363862.1 and 1 more transcripts); short protein forms I1016V, I971V.
Identifiers: ClinVar variation 1357397 (VCV001357397.6), dbSNP rs2125369003, ClinGen allele CA351776312.